The following is an entry in ClinVar:

ClinVar aggregate classification (germline): Conflicting classifications of pathogenicity. Review status: criteria provided, conflicting classifications (1 of 4 stars). 4 submissions from 4 submitters: Uncertain significance (3); Benign (1). Last evaluated 2025-07-07.

Conditions:
Amyotrophic lateral sclerosis type 4 (ALS4). Also called: AMYOTROPHIC LATERAL SCLEROSIS 4, JUVENILE; NEURONOPATHY, DISTAL HEREDITARY MOTOR, WITH PYRAMIDAL FEATURES. Identifiers: Orphanet 357043, MedGen C1865409, MONDO:0011223, OMIM 602433.
Spinocerebellar ataxia, autosomal recessive, with axonal neuropathy 2 (SCAN2). Also called: ATAXIA-OCULOMOTOR APRAXIA 2; Ataxia with Oculomotor Apraxia; Ataxia with Oculomotor Apraxia Type 2; Ataxia-ocular apraxia-2. Identifiers: Orphanet 64753, MedGen C1853761, MONDO:0018996, OMIM 606002.
Inborn genetic diseases. Identifiers: MedGen C0950123, MeSH D030342.

Allele frequency attached by ClinVar (database versions not stated): gnomAD 0.00001; ExAC 0.00002; TOPMed 0.00002.
gnomAD v4.1: 12 of 1,614,050 alleles (0.00074%); highest among the groups gnomAD compares: Admixed American, 0.018%; no homozygotes.

Submissions (4):

Labcorp Genetics (formerly Invitae), Labcorp
Classification: Benign for Amyotrophic lateral sclerosis type 4; Spinocerebellar ataxia, autosomal recessive, with axonal neuropathy 2. Last evaluated: 2025-07-07. Review status: criteria provided, single submitter. Criteria: Invitae Variant Classification Sherloc (09022015). Collection method: clinical testing. Allele origin: germline.

Mayo Clinic Laboratories, Mayo Clinic
Classification: Uncertain significance. Last evaluated: 2023-10-19. Review status: criteria provided, single submitter. Criteria: ACMG Guidelines, 2015. Collection method: clinical testing. Allele origin: germline. Observed: 1 variant allele.

GeneDx
Classification: Uncertain significance. Last evaluated: 2023-04-10. Review status: criteria provided, single submitter. Criteria: GeneDx Variant Classification Process June 2021. Collection method: clinical testing. Allele origin: germline. Affected: yes.
Comment: In silico analysis supports that this missense variant does not alter protein structure/function; Has not been previously published as pathogenic or benign to our knowledge

Ambry Genetics
Classification: Uncertain significance for Inborn genetic diseases. Last evaluated: 2023-01-09. Review status: criteria provided, single submitter. Criteria: Ambry Variant Classification Scheme 2023. Collection method: clinical testing. Allele origin: germline.

NM_015046.7(SETX):c.3706G>A (p.Val1236Ile)

Gene: SETX (senataxin; minus strand). Cytogenetic location: 9q34.13.
Variant type: single nucleotide variant.
Coding change: c.3706G>A on transcript NM_015046.7 (MANE Select); coding-DNA position 3706, G replaced by A.
Protein change: p.Val1236Ile; replaces valine 1236 with isoleucine.
Molecular consequence: missense variant.
Genome position (GRCh38, 1-based): chr9:132,327,892, C>T on the plus strand (G>A on the coding strand, the complement: SETX is on the minus strand). VCF-style: chr9-132327892-C-T. GRCh37 (hg19) VCF-style: chr9-135203279-C-T.
Other names: p.Val1236Ile; c.3706G>A, p.Val1236Ile (NM_001351527.2, NM_001351528.2); short protein forms V1236I.
Identifiers: ClinVar variation 1917154 (VCV001917154.9), dbSNP rs761851331, ClinGen allele CA5297345.